The following is an entry in ClinVar:

NM_000159.4(GCDH):c.203G>C (p.Arg68Thr)

Genes: GCDH (glutaryl-CoA dehydrogenase; plus strand), LOC117125594 (CRISPRi-FlowFISH-validated KLF1 regulatory element; plus strand). Cytogenetic location: 19p13.13.
Variant type: single nucleotide variant.
Coding change: c.203G>C on transcript NM_000159.4 (MANE Select); coding-DNA position 203, G replaced by C.
Protein change: p.Arg68Thr; replaces arginine 68 with threonine.
Molecular consequence: missense variant. On other transcripts: non-coding transcript variant (2).
Genome position (GRCh38, 1-based): chr19:12,891,906, G>C. VCF-style: chr19-12891906-G-C. GRCh37 (hg19) VCF-style: chr19-13002720-G-C.
Other names: c.203G>C (NM_000159.3); c.203G>C, p.Arg68Thr (NM_013976.5); short protein forms R68T.
Identifiers: ClinVar variation 1066011 (VCV001066011.11), dbSNP rs1417389111, ClinGen allele CA404315132.

ClinVar aggregate classification (germline): Conflicting classifications of pathogenicity. Review status: criteria provided, conflicting classifications (1 of 4 stars). 2 submissions from 2 submitters: Likely pathogenic (1); Uncertain significance (1). Last evaluated 2025-09-04.

Conditions:
Glutaric aciduria, type 1. Also called: Glutaricaciduria, type I; Glutaric Acidemia Type 1; GA I; Glutaric acidemia type I; Glutaryl-CoA dehydrogenase deficiency; Glutaricacidemia Type 1. Identifiers: Orphanet 25, MedGen C0268595, MONDO:0009281, OMIM 231670.

Submissions (2):

Labcorp Genetics (formerly Invitae), Labcorp
Classification: Likely pathogenic for Glutaric aciduria, type 1. Last evaluated: 2025-09-04. Review status: criteria provided, single submitter. Criteria: Invitae Variant Classification Sherloc (09022015). Collection method: clinical testing. Allele origin: germline.
Comment: This sequence change replaces arginine, which is basic and polar, with threonine, which is neutral and polar, at codon 68 of the GCDH protein (p.Arg68Thr). This variant is not present in population databases (gnomAD no frequency). This missense change has been observed in individual(s) with glutaric acidemia type I (internal data). In at least one individual the data is consistent with being in trans (on the opposite chromosome) from a pathogenic variant. ClinVar contains an entry for this variant (Variation ID: 1066011). Invitae Evidence Modeling of protein sequence and biophysical properties (such as structural, functional, and spatial information, amino acid conservation, physicochemical variation, residue mobility, and thermodynamic stability) has been performed for this missense variant. However, the output from this modeling did not meet the statistical confidence thresholds required to predict the impact of this variant on GCDH protein function. In summary, the currently available evidence indicates that the variant is pathogenic, but additional data are needed to prove that conclusively. Therefore, this variant has been classified as Likely Pathogenic.

Revvity Omics, Revvity
Classification: Uncertain significance for Glutaric aciduria, type 1. Last evaluated: 2019-12-05. Review status: criteria provided, single submitter. Criteria: ACMG Guidelines, 2015. Collection method: clinical testing. Allele origin: germline.